The following is an entry in ClinVar:

NM_005045.4(RELN):c.4485G>T (p.Thr1495=)

Gene: RELN (reelin; minus strand). Cytogenetic location: 7q22.1.
Variant type: single nucleotide variant.
Coding change: c.4485G>T on transcript NM_005045.4 (MANE Select); coding-DNA position 4485, G replaced by T.
Protein change: p.Thr1495=; no amino-acid change (threonine 1495 retained).
Molecular consequence: synonymous variant.
Genome position (GRCh38, 1-based): chr7:103,574,118, C>A on the plus strand (G>T on the coding strand, the complement: RELN is on the minus strand). VCF-style: chr7-103574118-C-A. GRCh37 (hg19) VCF-style: chr7-103214565-C-A.
Other names: c.4485G>T, p.Thr1495= (NM_173054.3); c.4485G>T (NM_005045.3).
Identifiers: ClinVar variation 1128804 (VCV001128804.33), dbSNP rs542018962, ClinGen allele CA4421510.

ClinVar aggregate classification (germline): Likely benign. Review status: criteria provided, multiple submitters, no conflicts (2 of 4 stars). 3 submissions from 3 submitters: Likely benign (2). 1 of the submissions does not count toward it. Last evaluated 2023-06-01.

Conditions:
RELN-related disorder. Also called: RELN-related condition.
Familial temporal lobe epilepsy 7. Identifiers: Orphanet 101046, MedGen C4225327, MONDO:0014639, OMIM 616436.
Norman-Roberts syndrome (LIS2). Also called: Lissencephaly 2 (Norman-Roberts type). Identifiers: Orphanet 89844, MedGen C0796089, MONDO:0009760, OMIM 257320.

Allele frequency attached by ClinVar (database versions not stated): ExAC 0.00001.
gnomAD v4.1: 23 of 1,613,862 alleles (0.0014%); highest among the groups gnomAD compares: Admixed American, 0.0033%; no homozygotes.

Submissions (3):

CeGaT Center for Human Genetics Tuebingen
Classification: Likely benign. Last evaluated: 2023-06-01. Review status: criteria provided, single submitter. Criteria: CeGaT Center For Human Genetics Tuebingen Variant Classification Criteria Version 2. Collection method: clinical testing. Allele origin: germline. Affected: yes. Observed: 1 variant allele.
Comment: RELN: BP4, BP7

Labcorp Genetics (formerly Invitae), Labcorp
Classification: Likely benign for Familial temporal lobe epilepsy 7; Norman-Roberts syndrome. Last evaluated: 2021-02-18. Review status: criteria provided, single submitter. Criteria: Invitae Variant Classification Sherloc (09022015). Collection method: clinical testing. Allele origin: germline.

PreventionGenetics, part of Exact Sciences
Classification: Likely benign for RELN-related condition. Last evaluated: 2020-10-12. Review status: no assertion criteria provided. Collection method: clinical testing. Allele origin: germline. Not counted in ClinVar's aggregate classification.
Comment: This variant is classified as likely benign based on ACMG/AMP sequence variant interpretation guidelines (Richards et al. 2015 PMID: 25741868, with internal and published modifications).